The following is an entry in ClinVar:

ClinVar aggregate classification (germline): Benign/Likely benign. Review status: criteria provided, multiple submitters, no conflicts (2 of 4 stars). 6 submissions from 6 submitters: Benign (1); Likely benign (5). Last evaluated 2025-12-10.

Conditions:
Left ventricular noncompaction 8 (LVNC8). Identifiers: Orphanet 154, Orphanet 54260, MedGen C3809288, MONDO:0014152, OMIM 615373.

Allele frequency attached by ClinVar (database versions not stated): gnomAD exomes 0.00004 and 0.00007; ESP Exome Variant Server 0.00008; ExAC 0.00011; gnomAD 0.00017 and 0.00019; TOPMed 0.00018; 1000 Genomes Project 0.00020; 1000 Genomes Project 30x 0.00031.
gnomAD v4.1: 83 of 1,612,362 alleles (0.0051%); highest among the groups gnomAD compares: African/African-American, 0.039%; no homozygotes.

Submissions (6):

Labcorp Genetics (formerly Invitae), Labcorp
Classification: Likely benign for Left ventricular noncompaction 8. Last evaluated: 2025-12-10. Review status: criteria provided, single submitter. Criteria: Invitae Variant Classification Sherloc (09022015). Collection method: clinical testing. Allele origin: germline.

Women's Health and Genetics/Laboratory Corporation of America, LabCorp
Classification: Benign. Last evaluated: 2025-05-18. Review status: criteria provided, single submitter. Criteria: LabCorp Variant Classification Summary - May 2015. Collection method: clinical testing. Allele origin: germline.

CeGaT Center for Human Genetics Tuebingen
Classification: Likely benign. Last evaluated: 2022-09-01. Review status: criteria provided, single submitter. Criteria: CeGaT Center For Human Genetics Tuebingen Variant Classification Criteria Version 2. Collection method: clinical testing. Allele origin: germline. Affected: yes. Observed: 1 variant allele.
Comment: PRDM16: BP4, BP7

Blueprint Genetics
Classification: Likely benign. Last evaluated: 2021-12-02. Review status: criteria provided, single submitter. Criteria: ACMG Guidelines, 2015. Collection method: clinical testing. Allele origin: germline.

GeneDx
Classification: Likely benign. Last evaluated: 2019-06-10. Review status: criteria provided, single submitter. Criteria: GeneDx Variant Classification Process June 2021. Collection method: clinical testing. Allele origin: germline. Affected: yes.

Laboratory for Molecular Medicine, Mass General Brigham Personalized Medicine
Classification: Likely benign. Last evaluated: 2014-11-24. Review status: criteria provided, single submitter. Criteria: LMM Criteria. Collection method: clinical testing. Allele origin: germline. Observed: 1 variant allele.
Comment: p.Phe84Phe in exon 2 of PRDM16: This variant is not expected to have clinical si gnificance because it does not alter an amino acid residue and is not located wi thin the splice consensus sequence. It has been identified in 9/23790 of African chromosomes by the Genome Aggregation Database (gnomAD; dbSNP rs370290776).

NM_022114.4(PRDM16):c.252C>T (p.Phe84=)

Gene: PRDM16 (PR/SET domain 16; plus strand). Cytogenetic location: 1p36.32.
Variant type: single nucleotide variant.
Coding change: c.252C>T on transcript NM_022114.4 (MANE Select); coding-DNA position 252, C replaced by T.
Protein change: p.Phe84=; no amino-acid change (phenylalanine 84 retained).
Molecular consequence: synonymous variant.
Genome position (GRCh38, 1-based): chr1:3,186,339, C>T. VCF-style: chr1-3186339-C-T. GRCh37 (hg19) VCF-style: chr1-3102903-C-T.
Other names: c.252C>T, p.Phe84= (NM_199454.3).
Identifiers: ClinVar variation 504756 (VCV000504756.41), dbSNP rs370290776, ClinGen allele CA543736.